The following is an entry in ClinVar:

ClinVar aggregate classification (germline): Pathogenic (1 of 4 stars; one submission).

Conditions:
Polycystic kidney disease, adult type (PKD1). Also called: Polycystic Kidney Disease 1, Autosomal Dominant; Polycystic kidney disease 1; Polycystic kidney disease 1, severe; POLYCYSTIC KIDNEY DISEASE, ADULT, TYPE I; Polycystic Kidney, Autosomal Dominant; POLYCYSTIC KIDNEY DISEASE 1 WITH OR WITHOUT POLYCYSTIC LIVER DISEASE. Identifiers: MedGen C3149841, MONDO:0008263, OMIM 173900.

Submission:

Daryl Scott Lab, Baylor College of Medicine
Classification: Pathogenic for Polycystic kidney disease, adult type. Last evaluated: 2024-01-01. Review status: criteria provided, single submitter. Criteria: ACMG Guidelines, 2015. Collection method: clinical testing. Allele origin: unknown. Affected: yes. Observed: 1 heterozygote.
Comment: PVS1, PM2

NM_001009944.3(PKD1):c.11588_11592del (p.Leu3863fs)

Genes: PKD1 (polycystin 1, transient receptor potential channel interacting; minus strand), PKD1-AS1 (PKD1 antisense RNA 1; plus strand). Cytogenetic location: 16p13.3.
Variant type: Deletion.
Coding change: c.11588_11592del on transcript NM_001009944.3 (MANE Select); coding-DNA positions 11588 to 11592, 5 bases deleted (TGCAC; older notation c.11588_11592delTGCAC).
Protein change: p.Leu3863fs; shifts the reading frame from leucine 3863.
Molecular consequence: frameshift variant. On other transcripts: non-coding transcript variant (1).
Genome position (GRCh38, 1-based): chr16:2,091,543-2,091,547, GTGCA deleted on the plus strand (TGCAC on the coding strand, the reverse complement: PKD1 is on the minus strand); deleting any 5 consecutive bases within chr16:2,091,543-2,091,548 gives the same sequence; the c. name uses the placement nearest the transcript's 3' end. VCF-style (leftmost placement, unchanged base first): chr16-2091542-CGTGCA-C. GRCh37 (hg19) VCF-style: chr16-2141543-CGTGCA-C.
Other names: c.11585_11589del, p.Leu3862fs (NM_000296.4); short protein forms L3862fs, L3863fs.
Identifiers: ClinVar variation 3764614 (VCV003764614.1).
Genomic context (GRCh38, chr16:2,091,542, plus strand): 5'-CGCTGAGGGCGGCCAGGGCGCGGCCGGCCGCCGGGAACTCGAGGCGCAGCGTGACGGCGG[CGTGCA>C]GCCCCACGGCCGGGCTGTAGCGCGTGAGCTCCAGGAACACAGCGCGGCTCCTGCGCAGAG-3'